The following is an entry in ClinVar:

NM_053025.4(MYLK):c.1510del (p.Val504fs)

Gene: MYLK (myosin light chain kinase; minus strand). Cytogenetic location: 3q21.1.
Variant type: Deletion.
Coding change: c.1510del on transcript NM_053025.4 (MANE Select); coding-DNA position 1510, one base deleted (G; older notation c.1510delG).
Protein change: p.Val504fs; shifts the reading frame from valine 504.
Molecular consequence: frameshift variant. On other transcripts: intron variant (2).
Genome position (GRCh38, 1-based): chr3:123,732,902, C deleted on the plus strand (G on the coding strand, the reverse complement: MYLK is on the minus strand). VCF-style (leftmost placement, unchanged base first): chr3-123732901-AC-A. GRCh37 (hg19) VCF-style: chr3-123451748-AC-A.
Other names: c.982del, p.Val328fs (NM_001321309.2); c.1510del, p.Val504fs (NM_053027.4); c.1309+785del (NM_053028.4, NM_053026.4); short protein forms V328fs, V504fs.
Identifiers: ClinVar variation 3906324 (VCV003906324.1).
Genomic context (GRCh38, chr3:123,732,901, plus strand): 5'-CCCATGAATGGTTGTCCCACAGAGAATGCGGGGTGACCTGGAGAAGTGTACTCACTTTCC[AC>A]TTGGAGGGTCCAGCTACAGGACAGCTGGCCTTGGGCGTTGGAAGCAGTGCAGCTGTATGT-3'

ClinVar aggregate classification (germline): Uncertain significance (1 of 4 stars; one submission).

Submission:

GeneDx
Classification: Uncertain significance. Last evaluated: 2024-12-18. Review status: criteria provided, single submitter. Criteria: GeneDx Variant Classification Process June 2021. Collection method: clinical testing. Allele origin: germline. Affected: yes.
Comment: Not observed at significant frequency in large population cohorts (gnomAD); Frameshift variant predicted to result in protein truncation or nonsense mediated decay; Has not been previously published as pathogenic or benign to our knowledge